The following is an entry in ClinVar:

ClinVar aggregate classification (germline): Likely benign. Review status: criteria provided, multiple submitters, no conflicts (2 of 4 stars). 2 submissions from 2 submitters: Likely benign (2). Last evaluated 2024-12-08.

Conditions:
Kabuki syndrome. Also called: NIIKAWA-KUROKI SYNDROME; Kabuki make-up syndrome. Identifiers: Orphanet 2322, MedGen C0796004, MONDO:0016512.

Allele frequency attached by ClinVar (database versions not stated): gnomAD exomes below 0.00001; ExAC 0.00001.
gnomAD v4.1: 4 of 1,613,638 alleles (0.00025%); highest among the groups gnomAD compares: Non-Finnish European, 0.00034%; no homozygotes.

Submissions (2):

Labcorp Genetics (formerly Invitae), Labcorp
Classification: Likely benign for Kabuki syndrome. Last evaluated: 2024-12-08. Review status: criteria provided, single submitter. Criteria: Invitae Variant Classification Sherloc (09022015). Collection method: clinical testing. Allele origin: germline.

CeGaT Center for Human Genetics Tuebingen
Classification: Likely benign. Last evaluated: 2022-03-01. Review status: criteria provided, single submitter. Criteria: CeGaT Center For Human Genetics Tuebingen Variant Classification Criteria Version 2. Collection method: clinical testing. Allele origin: germline. Affected: yes. Observed: 1 variant allele.
Comment: KMT2D: BP4, BP7

NM_003482.4(KMT2D):c.8271T>C (p.Ser2757=)

Gene: KMT2D (lysine methyltransferase 2D; minus strand). Cytogenetic location: 12q13.12.
Variant type: single nucleotide variant.
Coding change: c.8271T>C on transcript NM_003482.4 (MANE Select); coding-DNA position 8271, T replaced by C.
Protein change: p.Ser2757=; no amino-acid change (serine 2757 retained).
Molecular consequence: synonymous variant.
Genome position (GRCh38, 1-based): chr12:49,039,317, A>G on the plus strand (T>C on the coding strand, the complement: KMT2D is on the minus strand). VCF-style: chr12-49039317-A-G. GRCh37 (hg19) VCF-style: chr12-49433100-A-G.
Identifiers: ClinVar variation 1675493 (VCV001675493.35), dbSNP rs759146178, ClinGen allele CA6546873.